The following is an entry in ClinVar:

ClinVar aggregate classification (germline): Uncertain significance (0 of 4 stars; one submission).

Conditions:
PCNT-related disorder. Also called: PCNT-related condition.

gnomAD v4.1: 3 of 1,594,856 alleles (0.00019%); highest among the groups gnomAD compares: Admixed American, 0.0017%; no homozygotes.

Submission:

PreventionGenetics, part of Exact Sciences
Classification: Uncertain significance for PCNT-related condition. Last evaluated: 2023-11-30. Review status: no assertion criteria provided. Collection method: clinical testing. Allele origin: germline.
Comment: The PCNT c.5725C>T variant is predicted to result in the amino acid substitution p.Pro1909Ser. To our knowledge, this variant has not been reported in the literature or in a large population database, indicating this variant is rare. At this time, the clinical significance of this variant is uncertain due to the absence of conclusive functional and genetic evidence.

NM_006031.6(PCNT):c.5725C>T (p.Pro1909Ser)

Gene: PCNT (pericentrin; plus strand). Cytogenetic location: 21q22.3.
Variant type: single nucleotide variant.
Coding change: c.5725C>T on transcript NM_006031.6 (MANE Select); coding-DNA position 5725, C replaced by T.
Protein change: p.Pro1909Ser; replaces proline 1909 with serine.
Molecular consequence: missense variant.
Genome position (GRCh38, 1-based): chr21:46,411,798, C>T. VCF-style: chr21-46411798-C-T. GRCh37 (hg19) VCF-style: chr21-47831712-C-T.
Other names: c.5371C>T, p.Pro1791Ser (NM_001315529.2); short protein forms P1791S, P1909S.
Identifiers: ClinVar variation 3356581 (VCV003356581.1).